The following is an entry in ClinVar:

ClinVar aggregate classification (germline): Uncertain significance. Review status: criteria provided, multiple submitters, no conflicts (2 of 4 stars). 2 submissions from 2 submitters: Uncertain significance (2). Last evaluated 2023-11-09.

Allele frequency attached by ClinVar (database versions not stated): gnomAD exomes below 0.00001; TOPMed below 0.00001.
gnomAD v4.1: 2 of 1,550,962 alleles (0.00013%); highest among the groups gnomAD compares: African/African-American, 0.0014%; no homozygotes.

Submissions (2):

Blueprint Genetics
Classification: Uncertain significance. Last evaluated: 2023-11-09. Review status: criteria provided, single submitter. Criteria: ACMG Guidelines, 2015. Collection method: clinical testing. Allele origin: germline.

Labcorp Genetics (formerly Invitae), Labcorp
Classification: Uncertain significance. Last evaluated: 2022-07-09. Review status: criteria provided, single submitter. Criteria: Invitae Variant Classification Sherloc (09022015). Collection method: clinical testing. Allele origin: germline.
Comment: In summary, the available evidence is currently insufficient to determine the role of this variant in disease. Therefore, it has been classified as a Variant of Uncertain Significance. Algorithms developed to predict the effect of missense changes on protein structure and function are either unavailable or do not agree on the potential impact of this missense change (SIFT: "Not Available"; PolyPhen-2: "Possibly Damaging"; Align-GVGD: "Not Available"). This variant has not been reported in the literature in individuals affected with UNC80-related conditions. This variant is not present in population databases (gnomAD no frequency). This sequence change replaces methionine, which is neutral and non-polar, with valine, which is neutral and non-polar, at codon 792 of the UNC80 protein (p.Met792Val).

NM_001371986.1(UNC80):c.2374A>G (p.Met792Val)

Gene: UNC80 (unc-80 subunit of NALCN channel complex; plus strand). Cytogenetic location: 2q34.
Variant type: single nucleotide variant.
Coding change: c.2374A>G on transcript NM_001371986.1 (MANE Select); coding-DNA position 2374, A replaced by G.
Protein change: p.Met792Val; replaces methionine 792 with valine.
Molecular consequence: missense variant.
Genome position (GRCh38, 1-based): chr2:209,825,949, A>G. VCF-style: chr2-209825949-A-G. GRCh37 (hg19) VCF-style: chr2-210690673-A-G.
Other names: c.2374A>G, p.Met792Val (NM_032504.2, NM_182587.4); short protein forms M792V.
Identifiers: ClinVar variation 2015389 (VCV002015389.3), dbSNP rs911696892, ClinGen allele CA64672978.